The following is an entry in ClinVar:

ClinVar aggregate classification (germline): Uncertain significance (1 of 4 stars; one submission).

Conditions:
Hereditary cancer-predisposing syndrome. Also called: Hereditary Cancer Syndrome; Hereditary neoplastic syndrome; Neoplastic Syndromes, Hereditary; Tumor predisposition. Identifiers: Orphanet 140162, MedGen C0027672, MeSH D009386, MONDO:0015356.

Submission:

Ambry Genetics
Classification: Uncertain significance for Hereditary cancer-predisposing syndrome. Last evaluated: 2025-03-29. Review status: criteria provided, single submitter. Criteria: Ambry Variant Classification Scheme 2023. Collection method: clinical testing. Allele origin: germline.
Comment: The p.Q750K variant (also known as c.2248C>A), located in coding exon 15 of the MSH3 gene, results from a C to A substitution at nucleotide position 2248. The glutamine at codon 750 is replaced by lysine, an amino acid with similar properties. This amino acid position is conserved. In addition, the in silico prediction for this alteration is inconclusive. Based on the available evidence, the clinical significance of this variant remains unclear.

NM_002439.5(MSH3):c.2248C>A (p.Gln750Lys)

Gene: MSH3 (mutS homolog 3; plus strand). Cytogenetic location: 5q14.1.
Variant type: single nucleotide variant.
Coding change: c.2248C>A on transcript NM_002439.5 (MANE Select); coding-DNA position 2248, C replaced by A.
Protein change: p.Gln750Lys; replaces glutamine 750 with lysine.
Molecular consequence: missense variant.
Genome position (GRCh38, 1-based): chr5:80,768,998, C>A. VCF-style: chr5-80768998-C-A. GRCh37 (hg19) VCF-style: chr5-80064817-C-A.
Other names: short protein forms Q750K.
Identifiers: ClinVar variation 3913594 (VCV003913594.1).